The following is an entry in ClinVar:

ClinVar aggregate classification (germline): Uncertain significance (1 of 4 stars; one submission).

Conditions:
Inborn genetic diseases. Identifiers: MedGen C0950123, MeSH D030342.

gnomAD v4.1: 2 of 1,614,120 alleles (0.00012%); highest among the groups gnomAD compares: South Asian, 0.0011%; no homozygotes.

Submission:

Ambry Genetics
Classification: Uncertain significance for Inborn genetic diseases. Last evaluated: 2025-01-13. Review status: criteria provided, single submitter. Criteria: Ambry Variant Classification Scheme 2023. Collection method: clinical testing. Allele origin: germline.
Comment: The p.Q64R variant (also known as c.191A>G), located in coding exon 2 of the SBDS gene, results from an A to G substitution at nucleotide position 191. The glutamine at codon 64 is replaced by arginine, an amino acid with highly similar properties. This amino acid position is conserved. In addition, this alteration is predicted to be deleterious by in silico analysis. Based on the available evidence, the clinical significance of this variant remains unclear.

NM_016038.4(SBDS):c.191A>G (p.Gln64Arg)

Gene: SBDS (SBDS ribosome maturation factor; minus strand). Cytogenetic location: 7q11.21.
Variant type: single nucleotide variant.
Coding change: c.191A>G on transcript NM_016038.4 (MANE Select); coding-DNA position 191, A replaced by G.
Protein change: p.Gln64Arg; replaces glutamine 64 with arginine.
Molecular consequence: missense variant.
Genome position (GRCh38, 1-based): chr7:66,994,279, T>C on the plus strand (A>G on the coding strand, the complement: SBDS is on the minus strand). VCF-style: chr7-66994279-T-C. GRCh37 (hg19) VCF-style: chr7-66459266-T-C.
Other names: short protein forms Q64R.
Identifiers: ClinVar variation 3792711 (VCV003792711.1).